The following is an entry in ClinVar:

NM_000038.6(APC):c.3313C>T (p.Arg1105Trp)

Gene: APC (APC regulator of Wnt signaling pathway; plus strand). Cytogenetic location: 5q22.2.
Variant type: single nucleotide variant.
Coding change: c.3313C>T on transcript NM_000038.6 (MANE Select); coding-DNA position 3313, C replaced by T.
Protein change: p.Arg1105Trp; replaces arginine 1105 with tryptophan.
Molecular consequence: missense variant.
Genome position (GRCh38, 1-based): chr5:112,838,907, C>T. VCF-style: chr5-112838907-C-T. GRCh37 (hg19) VCF-style: chr5-112174604-C-T.
Other names: p.Arg1105Trp; c.3313C>T, p.Arg1105Trp (NM_001127510.3, NM_001354895.2); c.3259C>T, p.Arg1087Trp (NM_001127511.3); c.3367C>T, p.Arg1123Trp (NM_001354896.2); c.3343C>T, p.Arg1115Trp (NM_001354897.2); c.3238C>T, p.Arg1080Trp (NM_001354898.2); c.3229C>T, p.Arg1077Trp (NM_001354899.2); c.3190C>T, p.Arg1064Trp (NM_001354900.2); and 6 more; short protein forms R1087W, R1105W, R1077W, R979W, R1004W, R1014W, R1046W, R1080W.
Identifiers: ClinVar variation 420874 (VCV000420874.26), dbSNP rs768454793, ClinGen allele CA034994.
Genomic context (GRCh38, chr5:112,838,907, plus strand): 5'-AAACACCTCAAGTTCCAACCACATTTTGGACAGCAGGAATGTGTTTCTCCATACAGGTCA[C>T]GGGGAGCCAATGGTTCAGAAACAAATCGAGTGGGTTCTAATCATGGAATTAATCAAAATG-3'
Protein context (NP_000029.2, residues 1095-1115): QQECVSPYRS[Arg1105Trp]GANGSETNRV

ClinVar aggregate classification (germline): Conflicting classifications of pathogenicity. Review status: criteria provided, conflicting classifications (1 of 4 stars). 10 submissions from 10 submitters: Uncertain significance (9); Likely benign (1). Last evaluated 2025-12-21.

Conditions:
Familial adenomatous polyposis 1 (FAP1). Also called: FAMILIAL ADENOMATOUS POLYPOSIS 1, ATTENUATED; POLYPOSIS, ADENOMATOUS INTESTINAL. Identifiers: MedGen C2713442, MONDO:0021056, OMIM 175100. Disease mechanism: loss of function.
Gastric adenocarcinoma and proximal polyposis of the stomach (GAPPS). Also called: POLYPOSIS, GASTRIC; Gastric Adenocarcinoma and Proximal Polyposis of the Stomach (GAPPS); Polyposis, gastric, Dos Santos and de Magalhaes 1980. Identifiers: Orphanet 314022, MedGen C4749917, MONDO:0017790, OMIM 619182.
Desmoid disease, hereditary (DESMD). Also called: FIBROMATOSIS, FAMILIAL INFILTRATIVE. Identifiers: Orphanet 873, MedGen C1851124, OMIM 135290. Disease mechanism: loss of function.
Hepatocellular carcinoma (HCC). Also called: Primary carcinoma of liver; HEPATOMA; LIVER CELL CARCINOMA. Identifiers: Orphanet 88673, MedGen C2239176, MONDO:0007256, OMIM 114550, HP:0001402.
Gastric cancer. Also called: Malignant tumor of stomach; Stomach cancer. Identifiers: MedGen C0024623, MeSH D013274, MONDO:0001056, OMIM 613659, HP:0012126.
Colorectal cancer. Also called: Malignant Colorectal Neoplasm; Colorectal cancer, somatic. Identifiers: MedGen C0346629, MONDO:0005575, OMIM 114500.
Hereditary cancer-predisposing syndrome. Also called: Neoplastic Syndromes, Hereditary; Hereditary Cancer Syndrome; Hereditary neoplastic syndrome; Tumor predisposition. Identifiers: Orphanet 140162, MedGen C0027672, MeSH D009386, MONDO:0015356.

Allele frequency attached by ClinVar (database versions not stated): ExAC 0.00001; gnomAD 0.00001; gnomAD exomes 0.00001; TOPMed 0.00001.
gnomAD v4.1: 11 of 1,613,938 alleles (0.00068%); highest among the groups gnomAD compares: East Asian, 0.0022%; no homozygotes.

Submissions (10):

Labcorp Genetics (formerly Invitae), Labcorp
Classification: Uncertain significance for Familial adenomatous polyposis 1. Last evaluated: 2025-12-21. Review status: criteria provided, single submitter. Criteria: Invitae Variant Classification Sherloc (09022015). Collection method: clinical testing. Allele origin: germline.
Comment: This sequence change replaces arginine, which is basic and polar, with tryptophan, which is neutral and slightly polar, at codon 1105 of the APC protein (p.Arg1105Trp). The frequency data for this variant in the population databases is considered unreliable, as metrics indicate poor data quality at this position in the gnomAD database. This variant has not been reported in the literature in individuals affected with APC-related conditions. ClinVar contains an entry for this variant (Variation ID: 420874). Invitae Evidence Modeling of protein sequence and biophysical properties (such as structural, functional, and spatial information, amino acid conservation, physicochemical variation, residue mobility, and thermodynamic stability) indicates that this missense variant is not expected to disrupt APC protein function with a negative predictive value of 95%. In summary, the available evidence is currently insufficient to determine the role of this variant in disease. Therefore, it has been classified as a Variant of Uncertain Significance.

Center for Genomic Medicine, Rigshospitalet, Copenhagen University Hospital
Classification: Likely benign. Last evaluated: 2025-03-04. Review status: criteria provided, single submitter. Criteria: ACMG Guidelines, 2015. Collection method: clinical testing. Allele origin: germline.

Mayo Clinic Laboratories, Mayo Clinic
Classification: Uncertain significance. Last evaluated: 2025-02-11. Review status: criteria provided, single submitter. Criteria: ACMG Guidelines, 2015. Collection method: clinical testing. Allele origin: germline. Observed: 1 variant allele.
Comment: BP1

Women's Health and Genetics/Laboratory Corporation of America, LabCorp
Classification: Uncertain significance. Last evaluated: 2025-01-09. Review status: criteria provided, single submitter. Criteria: LabCorp Variant Classification Summary - May 2015. Collection method: clinical testing. Allele origin: germline.
Comment: Variant summary: APC c.3313C>T (p.Arg1105Trp) results in a non-conservative amino acid change in the encoded protein sequence. Five of five in-silico tools predict a damaging effect of the variant on protein function. The variant allele was found at a frequency of 8e-06 in 250388 control chromosomes. The available data on variant occurrences in the general population are insufficient to allow any conclusion about variant significance. c.3313C>T has been reported in the literature in at least one individual affected with breast cancer without evidence of causality (e.g.Liu_2020). These report(s) do not provide unequivocal conclusions about association of the variant with Familial Adenomatous Polyposis. To our knowledge, no experimental evidence demonstrating an impact on protein function has been reported. ClinVar contains an entry for this variant (Variation ID: 420874). Based on the evidence outlined above, the variant was classified as uncertain significance.

Fulgent Genetics
Classification: Uncertain significance for Colorectal cancer; Hepatocellular carcinoma; Desmoid disease, hereditary; Familial adenomatous polyposis 1; Gastric cancer; Gastric adenocarcinoma and proximal polyposis of the stomach. Last evaluated: 2024-04-16. Review status: criteria provided, single submitter. Criteria: ACMG Guidelines, 2015. Collection method: clinical testing. Allele origin: germline.

Ambry Genetics
Classification: Uncertain significance for Hereditary cancer-predisposing syndrome. Last evaluated: 2024-03-27. Review status: criteria provided, single submitter. Criteria: Ambry Variant Classification Scheme 2023. Collection method: clinical testing. Allele origin: germline.
Comment: The p.R1105W variant (also known as c.3313C>T), located in coding exon 15 of the APC gene, results from a C to T substitution at nucleotide position 3313. The arginine at codon 1105 is replaced by tryptophan, an amino acid with dissimilar properties. This amino acid position is highly conserved in available vertebrate species. In addition, in silico predictors for this gene do not accurately predict pathogenicity. Since supporting evidence is limited at this time, the clinical significance of this alteration remains unclear.

GeneDx
Classification: Uncertain significance. Last evaluated: 2024-02-27. Review status: criteria provided, single submitter. Criteria: GeneDx Variant Classification Process June 2021. Collection method: clinical testing. Allele origin: germline. Affected: yes.
Comment: Not observed at significant frequency in large population cohorts (gnomAD); In silico analysis supports that this missense variant does not alter protein structure/function; Has not been previously published as a pathogenic or benign germline variant to our knowledge; This variant is associated with the following publications: (PMID: 21901162, 22608206, 18199528)

Baylor Genetics
Classification: Uncertain significance for Familial adenomatous polyposis 1. Last evaluated: 2023-10-09. Review status: criteria provided, single submitter. Criteria: ACMG Guidelines, 2015. Collection method: clinical testing. Allele origin: unknown.

Quest Diagnostics Nichols Institute San Juan Capistrano
Classification: Uncertain significance. Last evaluated: 2022-12-28. Review status: criteria provided, single submitter. Criteria: Quest Diagnostics criteria. Collection method: clinical testing. Allele origin: unknown.
Comment: The frequency of this variant in the general population, 0.000011 (3/281780 chromosomes), is uninformative in assessment of its pathogenicity. In the published literature, the variant has been reported in an individual with breast cancer (PMID: 30443844 (2020)) and as a somatic finding in an individual with colorectal carcinoma (PMIDs: 21901162 (2011) and 22608206 (2012)). Analysis of this variant using bioinformatics tools for the prediction of the effect of amino acid changes on protein structure and function yielded conflicting predictions that this variant is benign or damaging. Based on the available information, we are unable to determine the clinical significance of this variant.

Color Diagnostics, LLC DBA Color Health
Classification: Uncertain significance for Hereditary cancer-predisposing syndrome. Last evaluated: 2020-11-10. Review status: criteria provided, single submitter. Criteria: ACMG Guidelines, 2015. Collection method: clinical testing. Allele origin: germline.
Comment: This missense variant replaces arginine with tryptophan at codon 1105 of the APC protein. Computational prediction is inconclusive regarding the impact of this variant on protein structure and function (internally defined REVEL score threshold 0.5 < inconclusive < 0.7, PMID: 27666373). To our knowledge, functional studies have not been reported for this variant. This variant has been reported in an individual affected with breast cancer (PMID: 30443844). This variant has been identified in 3/281780 chromosomes in the general population by the Genome Aggregation Database (gnomAD). The available evidence is insufficient to determine the role of this variant in disease conclusively. Therefore, this variant is classified as a Variant of Uncertain Significance.

Literature cited by the submitters: PubMed 30443844 (cited by Women's Health and Genetics/Laboratory Corporation of America, LabCorp and Quest Diagnostics Nichols Institute San Juan Capistrano); PubMed 21901162 (cited by Quest Diagnostics Nichols Institute San Juan Capistrano); PubMed 22608206 (cited by Quest Diagnostics Nichols Institute San Juan Capistrano).